The following is an entry in ClinVar:

ClinVar aggregate classification (germline): other (0 of 4 stars; one submission).

Conditions:
Familial colorectal cancer. Identifiers: MedGen CN280943, MONDO:0023113. Disease mechanism: loss of function.

Submission:

Systems Biology Platform Zhejiang California International NanoSystems Institute
Classification: other for Familial colorectal cancer. Review status: no assertion criteria provided. Collection method: not provided. Allele origin: unknown.
ClinVar note: Converted during submission from cancer to other.

NM_000038.6(APC):c.835-3022T>C

Gene: APC (APC regulator of WNT signaling pathway; plus strand). Cytogenetic location: 5q22.2.
Variant type: single nucleotide variant.
Coding change: c.835-3022T>C on transcript NM_000038.6 (MANE Select); 3022 bases into the intron before coding-DNA position 835, T replaced by C.
Molecular consequence: intron variant.
Genome position (GRCh38, 1-based): chr5:112,812,473, T>C. VCF-style: chr5-112812473-T-C. GRCh37 (hg19) VCF-style: chr5-112148170-T-C.
Other names: c.835-3022T>C (NM_001354895.2, NM_001127510.3, NM_001354896.2 and 1 more transcripts); c.865-3022T>C (NM_001354897.2, NM_001354902.2); c.781-3022T>C (NM_001127511.3); c.760-3022T>C (NM_001354898.2, NM_001354904.2); c.-16+2162T>C (NM_001354906.2); c.751-3022T>C (NM_001354899.2); c.658-3022T>C (NM_001354900.2, NM_001354901.2, NM_001354905.2).
Identifiers: ClinVar variation 82548 (VCV000082548.2), dbSNP rs76177466, ClinGen allele CA015143.